The following is an entry in ClinVar:

NM_012401.4(PLXNB2):c.3209C>T (p.Thr1070Met)

Gene: PLXNB2 (plexin B2; minus strand). Cytogenetic location: 22q13.33.
Variant type: single nucleotide variant.
Coding change: c.3209C>T on transcript NM_012401.4 (MANE Select); coding-DNA position 3209, C replaced by T.
Protein change: p.Thr1070Met; replaces threonine 1070 with methionine.
Molecular consequence: missense variant.
Genome position (GRCh38, 1-based): chr22:50,281,990, G>A on the plus strand (C>T on the coding strand, the complement: PLXNB2 is on the minus strand). VCF-style: chr22-50281990-G-A. GRCh37 (hg19) VCF-style: chr22-50720419-G-A.
Other names: c.3446C>T, p.Thr1149Met (NM_001376864.1); c.3278C>T, p.Thr1093Met (NM_001376865.1); c.3209C>T, p.Thr1070Met (NM_001376866.1, NM_001376867.1, NM_001376868.1 and 17 more transcripts); c.3116C>T, p.Thr1039Met (NM_001376886.1); short protein forms T1039M, T1070M, T1093M, T1149M.
Identifiers: ClinVar variation 4278617 (VCV004278617.1).

ClinVar aggregate classification (germline): Uncertain significance (1 of 4 stars; one submission).

gnomAD v4.1: 20 of 1,612,932 alleles (0.0012%); highest among the groups gnomAD compares: Non-Finnish European, 0.0017%; no homozygotes.

Submission:

GeneDx
Classification: Uncertain significance. Last evaluated: 2023-09-13. Review status: criteria provided, single submitter. Criteria: GeneDx Variant Classification Process June 2021. Collection method: clinical testing. Allele origin: germline. Affected: yes.
Comment: In silico analysis supports that this missense variant does not alter protein structure/function; Has not been previously published as pathogenic or benign to our knowledge; Variants in candidate genes are classified as variants of uncertain significance in accordance with ACMG guidelines (Richards et al., 2015)